The following is an entry in ClinVar:

NM_002878.4(RAD51D):c.294T>C (p.Tyr98=)

Genes: RAD51D (RAD51 paralog D; minus strand), RAD51L3-RFFL (RAD51L3-RFFL readthrough; minus strand). Cytogenetic location: 17q12.
Variant type: single nucleotide variant.
Coding change: c.294T>C on transcript NM_002878.4 (MANE Select); coding-DNA position 294, T replaced by C.
Protein change: p.Tyr98=; no amino-acid change (tyrosine 98 retained).
Molecular consequence: synonymous variant. On other transcripts: non-coding transcript variant (2), intron variant (1).
Genome position (GRCh38, 1-based): chr17:35,107,417, A>G on the plus strand (T>C on the coding strand, the complement: RAD51D is on the minus strand). VCF-style: chr17-35107417-A-G. GRCh37 (hg19) VCF-style: chr17-33434436-A-G.
Other names: c.354T>C, p.Tyr118= (NM_001142571.2); c.145-936T>C (NM_133629.3).
Identifiers: ClinVar variation 1879370 (VCV001879370.30), dbSNP rs2142437081, ClinGen allele CA499731898.

ClinVar aggregate classification (germline): Benign/Likely benign. Review status: criteria provided, multiple submitters, no conflicts (2 of 4 stars). 3 submissions from 3 submitters: Benign (1); Likely benign (2). Last evaluated 2026-08-16.

Conditions:
Hereditary cancer-predisposing syndrome. Also called: Hereditary neoplastic syndrome; Tumor predisposition; Neoplastic Syndromes, Hereditary; Hereditary Cancer Syndrome. Identifiers: Orphanet 140162, MedGen C0027672, MeSH D009386, MONDO:0015356.
Breast-ovarian cancer, familial, susceptibility to, 4. Identifiers: Orphanet 145, MedGen C3280345, MONDO:0013669, OMIM 614291.

Submissions (3):

Ambry Genetics
Classification: Likely benign for Hereditary cancer-predisposing syndrome. Last evaluated: 2026-08-16. Review status: criteria provided, single submitter. Criteria: Ambry Variant Classification Scheme 2023. Collection method: clinical testing. Allele origin: germline.

Myriad Genetics, Inc.
Classification: Benign for Breast-ovarian cancer, familial, susceptibility to, 4. Last evaluated: 2025-02-20. Review status: criteria provided, single submitter. Criteria: Myriad Autosomal Dominant, Autosomal Recessive and X-Linked Classification Criteria (2023). Collection method: clinical testing. Allele origin: unknown.
Comment: This variant is considered benign. This variant is a silent/synonymous amino acid change and it is not expected to impact splicing.

CeGaT Center for Human Genetics Tuebingen
Classification: Likely benign. Last evaluated: 2022-09-01. Review status: criteria provided, single submitter. Criteria: CeGaT Center For Human Genetics Tuebingen Variant Classification Criteria Version 2. Collection method: clinical testing. Allele origin: germline. Affected: yes. Observed: 1 variant allele.
Comment: RAD51D: PM2:Supporting, BP4, BP7